The following is an entry in ClinVar:

NM_145290.4(ADGRA3):c.1582G>A (p.Gly528Ser)

Gene: ADGRA3 (adhesion G protein-coupled receptor A3; minus strand). Cytogenetic location: 4p15.2.
Variant type: single nucleotide variant.
Coding change: c.1582G>A on transcript NM_145290.4 (MANE Select); coding-DNA position 1582, G replaced by A.
Protein change: p.Gly528Ser; replaces glycine 528 with serine.
Molecular consequence: missense variant.
Genome position (GRCh38, 1-based): chr4:22,424,214, C>T on the plus strand (G>A on the coding strand, the complement: ADGRA3 is on the minus strand). VCF-style: chr4-22424214-C-T. GRCh37 (hg19) VCF-style: chr4-22425837-C-T.
Other names: c.1582G>A (NM_145290.3); short protein forms G528S.
Identifiers: ClinVar variation 1284758 (VCV001284758.36), dbSNP rs61745011, ClinGen allele CA2873912.
Genomic context (GRCh38, chr4:22,424,214, plus strand): 5'-TTTTTTTCTCAGGAGTCTATGATAATGTTACACTTACTGTTGAATAAACGTGAGCTCCAC[C>T]GGCTAGCCGGTAGGTAGCAATGCGCTGAAGACACTGCACAATCCTACTGCAGGCTTTAGC-3'
Protein context (NP_660333.2, residues 518-538): LQRIATYRLA[Gly528Ser]GAHVYSTYSP

ClinVar aggregate classification (germline): Likely benign. Review status: criteria provided, multiple submitters, no conflicts (2 of 4 stars). 9 submissions from 8 submitters: Likely benign (4). 5 of the submissions do not count toward it. Last evaluated 2026-01-24.

Conditions:
ADGRA3-related disorder. Also called: ADGRA3-related condition.
Retinal dystrophy. Also called: Inherited retinal dystrophy. Identifiers: Orphanet 71862, MedGen C0854723, MeSH D058499, MONDO:0019118, HP:0000556.
Optic atrophy. Identifiers: MedGen C0029124, MONDO:0003608, HP:0000648.

Allele frequency attached by ClinVar (database versions not stated): 1000 Genomes Project 0.00100; 1000 Genomes Project 30x 0.00109; ESP Exome Variant Server 0.00138; gnomAD 0.00146 and 0.00153; gnomAD exomes 0.00149 and 0.00158; ExAC 0.00166; TOPMed 0.00215.

Submissions (9):

Labcorp Genetics (formerly Invitae), Labcorp
Classification: Likely benign. Last evaluated: 2026-01-24. Review status: criteria provided, single submitter. Criteria: Invitae Variant Classification Sherloc (09022015). Collection method: clinical testing. Allele origin: germline.

CeGaT Center for Human Genetics Tuebingen
Classification: Likely benign. Last evaluated: 2025-03-01. Review status: criteria provided, single submitter. Criteria: CeGaT Center For Human Genetics Tuebingen Variant Classification Criteria Version 2. Collection method: clinical testing. Allele origin: germline. Affected: yes. Observed: 2 variant alleles.
Comment: ADGRA3: BP4, BS2

Dept Of Ophthalmology, Nagoya University
Classification: Likely benign for Retinal dystrophy. Last evaluated: 2023-10-01. Review status: criteria provided, single submitter. Criteria: Submitter's publication. Collection method: research. Allele origin: germline. Affected: yes.

Breakthrough Genomics
Classification: Likely benign. Review status: criteria provided, single submitter. Criteria: ACMG Guidelines, 2015. Collection method: not provided. Allele origin: germline. Inheritance: Unknown mechanism. Affected: yes.

Institute of Human Genetics, Univ. Regensburg, Univ. Regensburg
Classification: Likely benign for Optic atrophy. Last evaluated: 2023-01-01. Review status: no assertion criteria provided. Criteria: ACMG Guidelines, 2015. Collection method: clinical testing. Allele origin: germline. Affected: yes. Not counted in ClinVar's aggregate classification.

Institute of Human Genetics, Univ. Regensburg, Univ. Regensburg
Classification: Likely benign for Retinal dystrophy. Last evaluated: 2023-01-01. Review status: no assertion criteria provided. Criteria: ACMG Guidelines, 2015. Collection method: clinical testing. Allele origin: germline. Affected: yes. Not counted in ClinVar's aggregate classification.

PreventionGenetics, part of Exact Sciences
Classification: Likely benign for ADGRA3-related condition. Last evaluated: 2022-03-17. Review status: no assertion criteria provided. Collection method: clinical testing. Allele origin: germline. Not counted in ClinVar's aggregate classification.
Comment: This variant is classified as likely benign based on ACMG/AMP sequence variant interpretation guidelines (Richards et al. 2015 PMID: 25741868, with internal and published modifications).

Clinical Genetics DNA and cytogenetics Diagnostics Lab, Erasmus MC, Erasmus Medical Center
Classification: Likely benign. Review status: no assertion criteria provided. Collection method: clinical testing. Allele origin: germline. Affected: yes. Study: VKGL Data-share Consensus. Not counted in ClinVar's aggregate classification.

Clinical Genetics, Academic Medical Center
Classification: Benign. Review status: no assertion criteria provided. Collection method: clinical testing. Allele origin: germline. Affected: yes. Study: VKGL Data-share Consensus. Not counted in ClinVar's aggregate classification.